The following is an entry in ClinVar:

NM_019842.4(KCNQ5):c.2404C>A (p.Arg802Ser)

Gene: KCNQ5 (potassium voltage-gated channel subfamily Q member 5; plus strand). Cytogenetic location: 6q13.
Variant type: single nucleotide variant.
Coding change: c.2404C>A on transcript NM_019842.4 (MANE Select); coding-DNA position 2404, C replaced by A.
Protein change: p.Arg802Ser; replaces arginine 802 with serine.
Molecular consequence: missense variant.
Genome position (GRCh38, 1-based): chr6:73,195,019, C>A. VCF-style: chr6-73195019-C-A. GRCh37 (hg19) VCF-style: chr6-73904742-C-A.
Other names: c.2377C>A, p.Arg793Ser (NM_001160130.2); c.2434C>A, p.Arg812Ser (NM_001160132.2); c.2461C>A, p.Arg821Ser (NM_001160133.2); c.2074C>A, p.Arg692Ser (NM_001160134.2); short protein forms R793S, R692S, R802S, R821S, R812S.
Identifiers: ClinVar variation 1511844 (VCV001511844.6), dbSNP rs759996062, ClinGen allele CA3887252.

ClinVar aggregate classification (germline): Uncertain significance (1 of 4 stars; one submission).

Allele frequency attached by ClinVar (database versions not stated): TOPMed below 0.00001; ExAC 0.00001; gnomAD 0.00001; gnomAD exomes 0.00001.
gnomAD v4.1: 15 of 1,614,002 alleles (0.00093%); highest among the groups gnomAD compares: Non-Finnish European, 0.0012%; no homozygotes.

Submission:

Labcorp Genetics (formerly Invitae), Labcorp
Classification: Uncertain significance. Last evaluated: 2021-08-11. Review status: criteria provided, single submitter. Criteria: Invitae Variant Classification Sherloc (09022015). Collection method: clinical testing. Allele origin: germline.
Comment: This sequence change replaces arginine with serine at codon 821 of the KCNQ5 protein (p.Arg821Ser). The arginine residue is weakly conserved and there is a moderate physicochemical difference between arginine and serine. This variant is present in population databases (rs759996062, ExAC 0.001%). This variant has not been reported in the literature in individuals affected with KCNQ5-related conditions. Advanced modeling of protein sequence and biophysical properties (such as structural, functional, and spatial information, amino acid conservation, physicochemical variation, residue mobility, and thermodynamic stability) performed at Invitae indicates that this missense variant is not expected to disrupt KCNQ5 protein function. In summary, the available evidence is currently insufficient to determine the role of this variant in disease. Therefore, it has been classified as a Variant of Uncertain Significance.